The following is an entry in ClinVar:

NM_020822.3(KCNT1):c.2595-14G>A

Gene: KCNT1 (potassium sodium-activated channel subfamily T member 1; plus strand). Cytogenetic location: 9q34.3.
Variant type: single nucleotide variant.
Coding change: c.2595-14G>A on transcript NM_020822.3 (MANE Select); 14 bases into the intron before coding-DNA position 2595, G replaced by A.
Molecular consequence: intron variant.
Genome position (GRCh38, 1-based): chr9:135,778,674, G>A. VCF-style: chr9-135778674-G-A. GRCh37 (hg19) VCF-style: chr9-138670520-G-A.
Other names: c.2460-14G>A (NM_001272003.2).
Identifiers: ClinVar variation 3752127 (VCV003752127.2).

ClinVar aggregate classification (germline): Uncertain significance (1 of 4 stars; one submission).

Conditions:
Autosomal dominant nocturnal frontal lobe epilepsy 5. Also called: KCNT1-Related Epilepsy; CILIARY DYSKINESIA, PRIMARY, 28, WITHOUT SITUS INVERSUS; CILIARY DYSKINESIA, PRIMARY, 28, WITH SITUS INVERSUS; Epilepsy, nocturnal frontal lobe, 5. Identifiers: Orphanet 98784, MedGen C3554306, MONDO:0014002, OMIM 615005.
Developmental and epileptic encephalopathy, 14 (DEE14). Also called: Early infantile epileptic encephalopathy 14. Identifiers: Orphanet 293181, MedGen C3554195, MONDO:0013989, OMIM 614959.

gnomAD v4.1: 9 of 1,613,124 alleles (0.00056%); highest among the groups gnomAD compares: African/African-American, 0.0013%; no homozygotes.

Submission:

Labcorp Genetics (formerly Invitae), Labcorp
Classification: Uncertain significance for Autosomal dominant nocturnal frontal lobe epilepsy 5; Developmental and epileptic encephalopathy, 14. Last evaluated: 2026-01-16. Review status: criteria provided, single submitter. Criteria: Invitae Variant Classification Sherloc (09022015). Collection method: clinical testing. Allele origin: germline.
Comment: This sequence change falls in intron 22 of the KCNT1 gene. It does not directly change the encoded amino acid sequence of the KCNT1 protein. This variant is present in population databases (no rsID available, gnomAD 0.002%). This variant has not been reported in the literature in individuals affected with KCNT1-related conditions. ClinVar contains an entry for this variant (Variation ID: 3752127). Algorithms developed to predict the effect of sequence changes on RNA splicing suggest that this variant may disrupt the consensus splice site. In summary, the available evidence is currently insufficient to determine the role of this variant in disease. Therefore, it has been classified as a Variant of Uncertain Significance.